The following is an entry in ClinVar:

NM_015450.3(POT1):c.125-5T>C

Gene: POT1 (protection of telomeres 1; minus strand). Cytogenetic location: 7q31.33.
Variant type: single nucleotide variant.
Coding change: c.125-5T>C on transcript NM_015450.3 (MANE Select); 5 bases into the intron before coding-DNA position 125, T replaced by C.
Molecular consequence: intron variant.
Genome position (GRCh38, 1-based): chr7:124,871,046, A>G on the plus strand (T>C on the coding strand, the complement: POT1 is on the minus strand). VCF-style: chr7-124871046-A-G. GRCh37 (hg19) VCF-style: chr7-124511100-A-G.
Other names: c.-138-7406T>C (NM_001042594.2).
Identifiers: ClinVar variation 2831390 (VCV002831390.3), dbSNP rs2485505437, ClinGen allele CA2684722588.

ClinVar aggregate classification (germline): Uncertain significance (1 of 4 stars; one submission).

Conditions:
Tumor predisposition syndrome 3 (TPDS3). Also called: Melanoma, cutaneous malignant, susceptibility to, 10; LONG TELOMERE SYNDROME, POT1-RELATED; POT1 Tumor Predisposition; Glioma susceptibility 9. Identifiers: Orphanet 618, MedGen C4014476, MONDO:0014368, OMIM 615848.

Submission:

Labcorp Genetics (formerly Invitae), Labcorp
Classification: Uncertain significance for Tumor predisposition syndrome 3. Last evaluated: 2024-05-22. Review status: criteria provided, single submitter. Criteria: Invitae Variant Classification Sherloc (09022015). Collection method: clinical testing. Allele origin: germline.
Comment: This sequence change falls in intron 6 of the POT1 gene. It does not directly change the encoded amino acid sequence of the POT1 protein. This variant is not present in population databases (gnomAD no frequency). This variant has not been reported in the literature in individuals affected with POT1-related conditions. RNA analysis provides insufficient evidence to determine the effect of this variant on POT1 splicing (Invitae). In summary, the available evidence is currently insufficient to determine the role of this variant in disease. Therefore, it has been classified as a Variant of Uncertain Significance.